The following is an entry in ClinVar:

NC_000023.10:g.(?_119005794)_(119010626_?)dup

Gene: NDUFA1 (NADH:ubiquinone oxidoreductase subunit A1; plus strand). Cytogenetic location: Xq24.
Variant type: Duplication.
Identifiers: ClinVar variation 3336108 (VCV003336108.1).

ClinVar aggregate classification (germline): Uncertain significance (1 of 4 stars; one submission).

Submission:

Women's Health and Genetics/Laboratory Corporation of America, LabCorp
Classification: Uncertain significance. Last evaluated: 2024-05-07. Review status: criteria provided, single submitter. Criteria: LabCorp Variant Classification Summary - May 2015. Collection method: clinical testing. Allele origin: germline.
Comment: Variant summary: The variant involves the duplication of exons 1-3 (i.e. the entire coding sequence) of the NDUFA1 gene. A presumed nomenclature of c.(?_-81)_(*129_?)dup has been designated for the purposes of this classification. This duplication includes the entire coding sequence of the gene. As exact breakpoints are unknown, it may extend beyond the annotated region of the gene, to include other flanking genes. The variant was absent in 15814 control chromosomes. The available data on variant occurrences in the general population are insufficient to allow any conclusion about variant significance. To our knowledge, no occurrence of c.(?_-81)_(*129_?)dup in individuals affected with Mitochondrial Complex 1 Deficiency, Nuclear Type 12 and no experimental evidence demonstrating its impact on protein function have been reported. No submitters have cited clinical-significance assessments for this variant to ClinVar. Based on the evidence outlined above, the variant was classified as uncertain significance.